The following is an entry in ClinVar:

NM_004320.6(ATP2A1):c.689C>T (p.Thr230Ile)

Gene: ATP2A1 (ATPase sarcoplasmic/endoplasmic reticulum Ca2+ transporting 1; plus strand). Cytogenetic location: 16p11.2.
Variant type: single nucleotide variant.
Coding change: c.689C>T on transcript NM_004320.6 (MANE Select); coding-DNA position 689, C replaced by T.
Protein change: p.Thr230Ile; replaces threonine 230 with isoleucine.
Molecular consequence: missense variant.
Genome position (GRCh38, 1-based): chr16:28,887,483, C>T. VCF-style: chr16-28887483-C-T. GRCh37 (hg19) VCF-style: chr16-28898804-C-T.
Other names: c.689C>T (NM_173201.3); c.314C>T, p.Thr105Ile (NM_001286075.2); c.689C>T, p.Thr230Ile (NM_173201.5); short protein forms T230I, T105I.
Identifiers: ClinVar variation 1492886 (VCV001492886.10), dbSNP rs753502659, ClinGen allele CA279232161.

ClinVar aggregate classification (germline): Uncertain significance. Review status: criteria provided, multiple submitters, no conflicts (2 of 4 stars). 3 submissions from 3 submitters: Uncertain significance (3). Last evaluated 2025-09-08.

Conditions:
Brody myopathy. Also called: BRODY DISEASE. Identifiers: Orphanet 53347, MedGen C1832918, MONDO:0010977, OMIM 601003.
Inborn genetic diseases. Identifiers: MedGen C0950123, MeSH D030342.

Allele frequency attached by ClinVar (database versions not stated): TOPMed below 0.00001.
gnomAD v4.1: 1 of 1,614,078 alleles (0.000062%); highest among the groups gnomAD compares: Non-Finnish European, 0.000085%; no homozygotes.

Submissions (3):

Ambry Genetics
Classification: Uncertain significance for Inborn genetic diseases. Last evaluated: 2025-09-08. Review status: criteria provided, single submitter. Criteria: Ambry Variant Classification Scheme 2023. Collection method: clinical testing. Allele origin: germline.

Blueprint Genetics
Classification: Uncertain significance. Last evaluated: 2024-07-10. Review status: criteria provided, single submitter. Criteria: ACMG Guidelines, 2015. Collection method: clinical testing. Allele origin: germline.

Labcorp Genetics (formerly Invitae), Labcorp
Classification: Uncertain significance for Brody myopathy. Last evaluated: 2022-03-08. Review status: criteria provided, single submitter. Criteria: Invitae Variant Classification Sherloc (09022015). Collection method: clinical testing. Allele origin: germline.
Comment: Algorithms developed to predict the effect of missense changes on protein structure and function are either unavailable or do not agree on the potential impact of this missense change (SIFT: "Deleterious"; PolyPhen-2: "Probably Damaging"; Align-GVGD: "Class C0"). In summary, the available evidence is currently insufficient to determine the role of this variant in disease. Therefore, it has been classified as a Variant of Uncertain Significance. This variant has not been reported in the literature in individuals affected with ATP2A1-related conditions. This variant is present in population databases (no rsID available, gnomAD 0.0009%). This sequence change replaces threonine, which is neutral and polar, with isoleucine, which is neutral and non-polar, at codon 230 of the ATP2A1 protein (p.Thr230Ile).